The following is an entry in ClinVar:

ClinVar aggregate classification (germline): Likely benign (1 of 4 stars; one submission).

Conditions:
Von Hippel-Lindau syndrome (VHLS). Also called: Von Hippel-Lindau; VHL syndrome; von Hippel–Lindau syndrome. Identifiers: Orphanet 892, MedGen C0019562, MONDO:0008667, OMIM 193300. Disease mechanism: loss of function.

Submission:

All of Us Research Program, National Institutes of Health
Classification: Likely benign for Von Hippel-Lindau syndrome. Last evaluated: 2024-05-14. Review status: criteria provided, single submitter. Criteria: ACMG Guidelines, 2015. Collection method: clinical testing. Allele origin: germline. Inheritance: Autosomal dominant inheritance. Observed: 1 variant allele, 1 heterozygote.
Comment: This study involves interpretation of variants in research participants for the purpose of population health screening. Participant phenotype was not available at the time of variant classification. Additional details can be found in publication PMID: 35346344, PMCID: PMC8962531

NM_000551.4(VHL):c.142C>T (p.Leu48=)

Gene: VHL (von Hippel-Lindau tumor suppressor; plus strand). Cytogenetic location: 3p25.3.
Variant type: single nucleotide variant.
Coding change: c.142C>T on transcript NM_000551.4 (MANE Select); coding-DNA position 142, C replaced by T.
Protein change: p.Leu48=; no amino-acid change (leucine 48 retained).
Molecular consequence: synonymous variant. On other transcripts: non-coding transcript variant (1).
Genome position (GRCh38, 1-based): chr3:10,141,989, C>T. VCF-style: chr3-10141989-C-T. GRCh37 (hg19) VCF-style: chr3-10183673-C-T.
Other names: c.142C>T, p.Leu48= (NM_001354723.2, NM_198156.3).
Identifiers: ClinVar variation 3386188 (VCV003386188.1).
Genomic context (GRCh38, chr3:10,141,989, plus strand): 5'-GACGGCGGGGAGGAGTCGGGCGCCGAGGAGTCCGGCCCGGAAGAGTCCGGCCCGGAGGAA[C>T]TGGGCGCCGAGGAGGAGATGGAGGCCGGGCGGCCGCGGCCCGTGCTGCGCTCGGTGAACT-3'
Protein context (NP_000542.1, residues 38-58): SGPEESGPEE[Leu48=]GAEEEMEAGR